The following is an entry in ClinVar:

NM_145886.4(PIDD1):c.852C>T (p.Asp284=)

Gene: PIDD1 (p53-induced death domain protein 1; minus strand). Cytogenetic location: 11p15.5.
Variant type: single nucleotide variant.
Coding change: c.852C>T on transcript NM_145886.4 (MANE Select); coding-DNA position 852, C replaced by T.
Protein change: p.Asp284=; no amino-acid change (aspartic acid 284 retained).
Molecular consequence: synonymous variant.
Genome position (GRCh38, 1-based): chr11:802,749, G>A on the plus strand (C>T on the coding strand, the complement: PIDD1 is on the minus strand). VCF-style: chr11-802749-G-A. GRCh37 (hg19) VCF-style: chr11-802749-G-A.
Other names: c.852C>T, p.Asp284= (NM_145887.4).
Identifiers: ClinVar variation 4821447 (VCV004821447.5).

ClinVar aggregate classification (germline): Likely benign. Review status: criteria provided, multiple submitters, no conflicts (2 of 4 stars). 2 submissions from 2 submitters: Likely benign (2). Last evaluated 2026-09-01.

gnomAD v4.1: 501 of 1,611,112 alleles (0.031%); highest among the groups gnomAD compares: Middle Eastern, 0.31%; 3 homozygotes.

Submissions (2):

CeGaT Center for Human Genetics Tuebingen
Classification: Likely benign. Last evaluated: 2026-09-01. Review status: criteria provided, single submitter. Criteria: CeGaT Center For Human Genetics Tuebingen Variant Classification Criteria Version 2. Collection method: clinical testing. Allele origin: germline. Affected: yes. Observed: 3 variant alleles.
Comment: PIDD1: BP4, BP7

Blueprint Genetics
Classification: Likely benign. Last evaluated: 2024-11-27. Review status: criteria provided, single submitter. Criteria: ACMG Guidelines, 2015. Collection method: clinical testing. Allele origin: germline.